The following is an entry in ClinVar:

NM_000051.4(ATM):c.988G>T (p.Gly330Ter)

Gene: ATM (ATM serine/threonine kinase; plus strand). Cytogenetic location: 11q22.3.
Variant type: single nucleotide variant.
Coding change: c.988G>T on transcript NM_000051.4 (MANE Select); coding-DNA position 988, G replaced by T.
Protein change: p.Gly330Ter; replaces glycine 330 with a stop codon.
Molecular consequence: nonsense.
Genome position (GRCh38, 1-based): chr11:108,247,050, G>T. VCF-style: chr11-108247050-G-T. GRCh37 (hg19) VCF-style: chr11-108117777-G-T.
Other names: c.988G>T, p.Gly330Ter (NM_001351834.2); short protein forms G330*.
Identifiers: ClinVar variation 3148395 (VCV003148395.1), dbSNP rs2135267332, ClinGen allele CA382531230.

ClinVar aggregate classification (germline): Pathogenic. Review status: criteria provided, multiple submitters, no conflicts (2 of 4 stars). 2 submissions from 2 submitters: Pathogenic (2). Last evaluated 2024-01-11.

Conditions:
Familial cancer of breast. Also called: BREAST CANCER, FAMILIAL; Hereditary breast cancer; hereditary breast carcinoma. Identifiers: Orphanet 227535, MedGen C0346153, MONDO:0016419, OMIM 114480. Disease mechanism: loss of function.
Hereditary cancer-predisposing syndrome. Also called: Neoplastic Syndromes, Hereditary; Tumor predisposition; Hereditary neoplastic syndrome; Hereditary Cancer Syndrome. Identifiers: Orphanet 140162, MedGen C0027672, MeSH D009386, MONDO:0015356.

Submissions (2):

Myriad Genetics, Inc.
Classification: Pathogenic for Familial cancer of breast. Last evaluated: 2024-01-11. Review status: criteria provided, single submitter. Criteria: Myriad Autosomal Dominant, Autosomal Recessive and X-Linked Classification Criteria (2023). Collection method: clinical testing. Allele origin: unknown.
Comment: This variant is considered pathogenic. This variant creates a termination codon and is predicted to result in premature protein truncation.

Ambry Genetics
Classification: Pathogenic for Hereditary cancer-predisposing syndrome. Last evaluated: 2023-12-06. Review status: criteria provided, single submitter. Criteria: Ambry Variant Classification Scheme 2023. Collection method: clinical testing. Allele origin: germline.
Comment: The p.G330* pathogenic mutation (also known as c.988G>T), located in coding exon 7 of the ATM gene, results from a G to T substitution at nucleotide position 988. This changes the amino acid from a glycine to a stop codon within coding exon 7. This alteration was identified in an individual with diagnosis of ataxia-telangiectasia (Micol R et al. J Allergy Clin Immunol, 2011 Aug;128:382-9.e1). This variant is considered to be rare based on population cohorts in the Genome Aggregation Database (gnomAD). In addition to the clinical data presented in the literature, this alteration is expected to result in loss of function by premature protein truncation or nonsense-mediated mRNA decay. As such, this alteration is interpreted as a disease-causing mutation.

Literature cited by the submitters: PubMed 21665257 (cited by Ambry Genetics).